The following is an entry in ClinVar:

NM_002294.3(LAMP2):c.962G>A (p.Trp321Ter)

Gene: LAMP2 (lysosome associated membrane protein 2; minus strand). Cytogenetic location: Xq24.
Variant type: single nucleotide variant.
Coding change: c.962G>A on transcript NM_002294.3 (MANE Select); coding-DNA position 962, G replaced by A.
Protein change: p.Trp321Ter; replaces tryptophan 321 with a stop codon.
Molecular consequence: nonsense.
Genome position (GRCh38, 1-based): chrX:120,441,861, C>T on the plus strand (G>A on the coding strand, the complement: LAMP2 is on the minus strand). VCF-style: chrX-120441861-C-T. GRCh37 (hg19) VCF-style: chrX-119575716-C-T.
Other names: c.962G>A, p.Trp321Ter (NM_001122606.1, NM_013995.2); short protein forms W321*.
Identifiers: ClinVar variation 409227 (VCV000409227.8), dbSNP rs1060502306, ClinGen allele CA16616414.

ClinVar aggregate classification (germline): Pathogenic (1 of 4 stars; one submission).

Conditions:
Danon disease. Also called: ANTOPOL DISEASE; PSEUDOGLYCOGENOSIS II; GSD IIb; LYSOSOMAL GLYCOGEN STORAGE DISEASE WITHOUT ACID MALTASE DEFICIENCY; Glycogen Storage Disease Type IIb. Identifiers: Orphanet 34587, MedGen C0878677, MONDO:0010281, OMIM 300257.

Submission:

Labcorp Genetics (formerly Invitae), Labcorp
Classification: Pathogenic for Danon disease. Last evaluated: 2016-04-16. Review status: criteria provided, single submitter. Criteria: Invitae Variant Classification Sherloc (09022015). Collection method: clinical testing. Allele origin: germline.
Comment: This sequence change creates a premature translational stop signal at codon 321 (p.Trp321*) of the LAMP2 gene. It is expected to result in an absent or disrupted protein product. For these reasons, this variant has been classified as Pathogenic. While this particular variant has not been reported in the literature, truncating variants in LAMP2 are known to be pathogenic (PMID: 10972294, 21415759).

Literature cited by the submitters: PubMed 10972294; PubMed 21415759.